The following is an entry in ClinVar:

NM_173628.4(DNAH17):c.7432C>T (p.Leu2478=)

Genes: DNAH17 (dynein axonemal heavy chain 17; minus strand), DNAH17-AS1 (DNAH17 antisense RNA 1; plus strand). Cytogenetic location: 17q25.3.
Variant type: single nucleotide variant.
Coding change: c.7432C>T on transcript NM_173628.4 (MANE Select); coding-DNA position 7432, C replaced by T.
Protein change: p.Leu2478=; no amino-acid change (leucine 2478 retained).
Molecular consequence: synonymous variant.
Genome position (GRCh38, 1-based): chr17:78,485,601, G>A on the plus strand (C>T on the coding strand, the complement: DNAH17 is on the minus strand). VCF-style: chr17-78485601-G-A. GRCh37 (hg19) VCF-style: chr17-76481683-G-A.
Identifiers: ClinVar variation 3040525 (VCV003040525.2), dbSNP rs368080042, ClinGen allele CA8802342.

ClinVar aggregate classification (germline): Likely benign (0 of 4 stars; one submission).

Conditions:
DNAH17-related disorder. Also called: DNAH17-related condition.

Allele frequency attached by ClinVar (database versions not stated): gnomAD exomes 0.00001; ExAC 0.00004; ESP Exome Variant Server 0.00008; gnomAD 0.00009; TOPMed 0.00009.
gnomAD v4.1: 22 of 1,613,718 alleles (0.0014%); highest among the groups gnomAD compares: African/African-American, 0.028%; no homozygotes.

Submission:

PreventionGenetics, part of Exact Sciences
Classification: Likely benign for DNAH17-related condition. Last evaluated: 2019-03-18. Review status: no assertion criteria provided. Collection method: clinical testing. Allele origin: germline.
Comment: This variant is classified as likely benign based on ACMG/AMP sequence variant interpretation guidelines (Richards et al. 2015 PMID: 25741868, with internal and published modifications).